The following is an entry in ClinVar:

ClinVar aggregate classification (germline): Uncertain significance (1 of 4 stars; one submission).

Conditions:
Nephronophthisis. Also called: Juvenile Nephronophthisis. Identifiers: Orphanet 655, MedGen C0687120, MONDO:0019005, HP:0000090.

Allele frequency attached by ClinVar (database versions not stated): ExAC 0.00001; TOPMed 0.00001; gnomAD 0.00002; gnomAD exomes 0.00004.

Submission:

Labcorp Genetics (formerly Invitae), Labcorp
Classification: Uncertain significance for Nephronophthisis. Last evaluated: 2023-08-04. Review status: criteria provided, single submitter. Criteria: Invitae Variant Classification Sherloc (09022015). Collection method: clinical testing. Allele origin: germline.
Comment: In summary, the available evidence is currently insufficient to determine the role of this variant in disease. Therefore, it has been classified as a Variant of Uncertain Significance. An algorithm developed to predict the effect of missense changes on protein structure and function (PolyPhen-2) suggests that this variant is likely to be disruptive. ClinVar contains an entry for this variant (Variation ID: 1002076). This variant has not been reported in the literature in individuals affected with NPHP4-related conditions. The frequency data for this variant in the population databases is considered unreliable, as metrics indicate poor data quality at this position in the gnomAD database. This sequence change replaces leucine, which is neutral and non-polar, with proline, which is neutral and non-polar, at codon 51 of the NPHP4 protein (p.Leu51Pro).

NM_015102.5(NPHP4):c.152T>C (p.Leu51Pro)

Gene: NPHP4 (nephrocystin 4; minus strand). Cytogenetic location: 1p36.31.
Variant type: single nucleotide variant.
Coding change: c.152T>C on transcript NM_015102.5 (MANE Select); coding-DNA position 152, T replaced by C.
Protein change: p.Leu51Pro; replaces leucine 51 with proline.
Molecular consequence: missense variant. On other transcripts: 5 prime UTR variant (1), non-coding transcript variant (1), intron variant (1).
Genome position (GRCh38, 1-based): chr1:5,978,397, A>G on the plus strand (T>C on the coding strand, the complement: NPHP4 is on the minus strand). VCF-style: chr1-5978397-A-G. GRCh37 (hg19) VCF-style: chr1-6038457-A-G.
Other names: c.-1078T>C (NM_001291593.2); c.-1087-9138T>C (NM_001291594.2); short protein forms L51P.
Identifiers: ClinVar variation 1002076 (VCV001002076.8), dbSNP rs775055035, ClinGen allele CA554916.